The following is an entry in ClinVar:

NM_001379029.1(CERT1):c.715A>G (p.Ile239Val)

Gene: CERT1 (ceramide transporter 1; minus strand). Cytogenetic location: 5q13.3.
Variant type: single nucleotide variant.
Coding change: c.715A>G on transcript NM_001379029.1 (MANE Select); coding-DNA position 715, A replaced by G.
Protein change: p.Ile239Val; replaces isoleucine 239 with valine.
Molecular consequence: missense variant.
Genome position (GRCh38, 1-based): chr5:75,416,998, T>C on the plus strand (A>G on the coding strand, the complement: CERT1 is on the minus strand). VCF-style: chr5-75416998-T-C. GRCh37 (hg19) VCF-style: chr5-74712823-T-C.
Other names: c.1099A>G, p.Ile367Val (NM_001130105.1); c.715A>G, p.Ile239Val (NM_001379002.1, NM_001379003.1, NM_001379004.1 and 2 more transcripts); short protein forms I239V, I367V.
Identifiers: ClinVar variation 4854476 (VCV004854476.1).

ClinVar aggregate classification (germline): Uncertain significance (1 of 4 stars; one submission).

Conditions:
Intellectual disability, autosomal dominant 34 (NEDHSF). Also called: NEURODEVELOPMENTAL DISORDER WITH HYPOTONIA, SPEECH DELAY, AND DYSMORPHIC FACIES; CERTRA SYNDROME; INTELLECTUAL DEVELOPMENTAL DISORDER, AUTOSOMAL DOMINANT 34; Ceramide Transporter Syndrome. Identifiers: MedGen C4225156, MONDO:0014599, OMIM 616351.

Submission:

3billion
Classification: Uncertain significance for Intellectual disability, autosomal dominant 34. Last evaluated: 2025-06-27. Review status: criteria provided, single submitter. Criteria: ACMG Guidelines, 2015. Collection method: clinical testing. Allele origin: germline. Affected: yes.
Comment: The variant is not observed in the gnomAD v4.1.0 dataset. Predicted Consequence/Location: Missense variant. Missense changes are a common disease-causing mechanism. In silico tool predictions suggest damaging effect of the variant on gene or gene product [3Cnet: 0.81 (> 0.75, sensitivity 0.96 and precision 0.92)]. Therefore, this variant is classified as VUS according to the recommendation of ACMG/AMP guideline.